The following is an entry in ClinVar:

NM_025099.6(CTC1):c.1700T>C (p.Phe567Ser)

Gene: CTC1 (CST telomere replication complex component 1; minus strand). Cytogenetic location: 17p13.1.
Variant type: single nucleotide variant.
Coding change: c.1700T>C on transcript NM_025099.6 (MANE Select); coding-DNA position 1700, T replaced by C.
Protein change: p.Phe567Ser; replaces phenylalanine 567 with serine.
Molecular consequence: missense variant. On other transcripts: non-coding transcript variant (1).
Genome position (GRCh38, 1-based): chr17:8,234,573, A>G on the plus strand (T>C on the coding strand, the complement: CTC1 is on the minus strand). VCF-style: chr17-8234573-A-G. GRCh37 (hg19) VCF-style: chr17-8137891-A-G.
Other names: short protein forms F567S.
Identifiers: ClinVar variation 1437785 (VCV001437785.7), dbSNP rs2151517400, ClinGen allele CA397983032.

ClinVar aggregate classification (germline): Uncertain significance (1 of 4 stars; one submission).

Conditions:
Dyskeratosis congenita. Identifiers: Orphanet 1775, MedGen C0265965, MONDO:0015780.

gnomAD v4.1: 1 of 1,603,290 alleles (0.000062%); highest among the groups gnomAD compares: African/African-American, 0.0013%; no homozygotes.

Submission:

Labcorp Genetics (formerly Invitae), Labcorp
Classification: Uncertain significance for Dyskeratosis congenita. Last evaluated: 2025-05-05. Review status: criteria provided, single submitter. Criteria: Invitae Variant Classification Sherloc (09022015). Collection method: clinical testing. Allele origin: germline.
Comment: This sequence change replaces phenylalanine, which is neutral and non-polar, with serine, which is neutral and polar, at codon 567 of the CTC1 protein (p.Phe567Ser). This variant is not present in population databases (gnomAD no frequency). This variant has not been reported in the literature in individuals affected with CTC1-related conditions. ClinVar contains an entry for this variant (Variation ID: 1437785). Invitae Evidence Modeling of protein sequence and biophysical properties (such as structural, functional, and spatial information, amino acid conservation, physicochemical variation, residue mobility, and thermodynamic stability) indicates that this missense variant is expected to disrupt CTC1 protein function with a positive predictive value of 80%. In summary, the available evidence is currently insufficient to determine the role of this variant in disease. Therefore, it has been classified as a Variant of Uncertain Significance.